The following is an entry in ClinVar:

ClinVar aggregate classification (germline): Likely benign (0 of 4 stars; one submission).

Conditions:
HCN2-related disorder. Also called: HCN2-related condition.

Submission:

PreventionGenetics, part of Exact Sciences
Classification: Likely benign for HCN2-related condition. Last evaluated: 2020-01-03. Review status: no assertion criteria provided. Collection method: clinical testing. Allele origin: germline.
Comment: This variant is classified as likely benign based on ACMG/AMP sequence variant interpretation guidelines (Richards et al. 2015 PMID: 25741868, with internal and published modifications).

NM_001194.4(HCN2):c.1991-14_1991-3dup

Gene: HCN2 (hyperpolarization activated cyclic nucleotide gated potassium and sodium channel 2; plus strand). Cytogenetic location: 19p13.3.
Variant type: Duplication.
Coding change: c.1991-14_1991-3dup on transcript NM_001194.4 (MANE Select); 14 bases into the intron before coding-DNA position 1991 through 3 bases into the intron before coding-DNA position 1991, 12 bases duplicated (CCCCTCTCCCGC).
Molecular consequence: intron variant.
Genome position (GRCh38, 1-based): chr19:615,781-615,792, CCCCTCTCCCGC duplicated; duplicating any 12 consecutive bases within chr19:615,778-615,792 gives the same sequence; the c. name uses the placement nearest the transcript's 3' end. VCF-style (leftmost placement, unchanged base first): chr19-615777-A-ACGCCCCCTCTCC. GRCh37 (hg19) VCF-style: chr19-615777-A-ACGCCCCCTCTCC.
Identifiers: ClinVar variation 3043568 (VCV003043568.2), dbSNP rs563181576, ClinGen allele CA9018781.